The following is an entry in ClinVar:

ClinVar aggregate classification (germline): Uncertain significance (1 of 4 stars; one submission).

Submission:

Labcorp Genetics (formerly Invitae), Labcorp
Classification: Uncertain significance. Last evaluated: 2024-08-08. Review status: criteria provided, single submitter. Criteria: Invitae Variant Classification Sherloc (09022015). Collection method: clinical testing. Allele origin: germline.
Comment: This sequence change replaces valine, which is neutral and non-polar, with methionine, which is neutral and non-polar, at codon 281 of the TCIRG1 protein (p.Val281Met). This variant is not present in population databases (gnomAD no frequency). This variant has not been reported in the literature in individuals affected with TCIRG1-related conditions. Advanced modeling of protein sequence and biophysical properties (such as structural, functional, and spatial information, amino acid conservation, physicochemical variation, residue mobility, and thermodynamic stability) performed at Invitae indicates that this missense variant is not expected to disrupt TCIRG1 protein function with a negative predictive value of 80%. In summary, the available evidence is currently insufficient to determine the role of this variant in disease. Therefore, it has been classified as a Variant of Uncertain Significance.

NM_006019.4(TCIRG1):c.841G>A (p.Val281Met)

Gene: TCIRG1 (T cell immune regulator 1, ATPase H+ transporting V0 subunit a3; plus strand). Cytogenetic location: 11q13.2.
Variant type: single nucleotide variant.
Coding change: c.841G>A on transcript NM_006019.4 (MANE Select); coding-DNA position 841, G replaced by A.
Protein change: p.Val281Met; replaces valine 281 with methionine.
Molecular consequence: missense variant. On other transcripts: 5 prime UTR variant (1).
Genome position (GRCh38, 1-based): chr11:68,044,165, G>A. VCF-style: chr11-68044165-G-A. GRCh37 (hg19) VCF-style: chr11-67811632-G-A.
Other names: c.-54G>A (NM_001351059.2); c.193G>A, p.Val65Met (NM_006053.4); short protein forms V281M, V65M.
Identifiers: ClinVar variation 3709585 (VCV003709585.2).